The following is an entry in ClinVar:

NM_001205293.3(CACNA1E):c.267-1C>T

Gene: CACNA1E (calcium voltage-gated channel subunit alpha1 E; plus strand). Cytogenetic location: 1q25.3.
Variant type: single nucleotide variant.
Coding change: c.267-1C>T on transcript NM_001205293.3 (MANE Select); the canonical splice acceptor site of the intron before coding-DNA position 267, C replaced by T.
Molecular consequence: splice acceptor variant.
Genome position (GRCh38, 1-based): chr1:181,510,476, C>T. VCF-style: chr1-181510476-C-T. GRCh37 (hg19) VCF-style: chr1-181479612-C-T.
Other names: c.267-1C>T (NM_000721.4, NM_001205294.2).
Identifiers: ClinVar variation 1304201 (VCV001304201.2), dbSNP rs1373504354, ClinGen allele CA343845663.

ClinVar aggregate classification (germline): Uncertain significance (1 of 4 stars; one submission).

Allele frequency attached by ClinVar (database versions not stated): gnomAD exomes below 0.00001; gnomAD 0.00001; TOPMed below 0.00001.
gnomAD v4.1: 3 of 1,610,852 alleles (0.00019%); highest among the groups gnomAD compares: Non-Finnish European, 0.00025%; no homozygotes.

Submission:

GeneDx
Classification: Uncertain significance. Last evaluated: 2019-11-21. Review status: criteria provided, single submitter. Criteria: GeneDx Variant Classification Process June 2021. Collection method: clinical testing. Allele origin: germline. Affected: yes.
Comment: Has not been previously published as pathogenic or benign to our knowledge; In-silico analysis, which includes splice predictors and evolutionary conservation, is inconclusive as to whether the variant alters gene splicing. In the absence of RNA/functional studies, the actual effect of this sequence change is unknown.